The following is an entry in ClinVar:

ClinVar aggregate classification (germline): Conflicting classifications of pathogenicity. Review status: criteria provided, conflicting classifications (1 of 4 stars). 7 submissions from 6 submitters: Pathogenic (2); Likely pathogenic (2); Uncertain significance (1). 2 of the submissions do not count toward it. Last evaluated 2026-10-01.

Conditions:
SHQ1-related disorder. Also called: SHQ1-related condition; SHQ1-Related Disorders.
Dystonia 35, childhood-onset (DYT35). Identifiers: MedGen C5677003, MONDO:0030958, OMIM 619921.
Neurodevelopmental disorder with dystonia and seizures (NEDDS). Identifiers: MedGen C5677004, MONDO:0859258, OMIM 619922.

Submissions (7):

GeneDx
Classification: Uncertain significance. Last evaluated: 2026-10-01. Review status: criteria provided, single submitter. Criteria: GeneDx Variant Classification Process June 2021. Collection method: clinical testing. Allele origin: germline.
Comment: Published functional studies suggest a damaging effect (PMID: 34542157); Frameshift variant predicted to result in protein truncation or nonsense mediated decay in a gene or region of a gene for which loss of function is not a well-established mechanism of disease; This variant is associated with the following publications: (PMID: 34740920, 31887429, 36810590, 36416405, 34542157, 38482315, 37475611, 36847845, 39326821, Polczyk226[Article], 41885709)

Women's Health and Genetics/Laboratory Corporation of America, LabCorp
Classification: Likely pathogenic for SHQ1-Related Disorders. Last evaluated: 2026-02-11. Review status: criteria provided, single submitter. Criteria: LabCorp Variant Classification Summary - May 2015. Collection method: clinical testing. Allele origin: germline.
Comment: Variant summary: SHQ1 c.828_831delTGAT (p.Asp277SerfsX27) results in a premature termination codon, predicted to cause a truncation of the encoded protein or absence of the protein due to nonsense mediated decay, however current evidence is not sufficient to establish loss of function as a mechanism for disease. The variant allele was found at a frequency of 0.00068 in 251084 control chromosomes, predominantly at a frequency of 0.0012 within the Non-Finnish European subpopulation in the gnomAD database. The observed variant frequency within Non-Finnish European control individuals in the gnomAD database slightly exceeds the estimated maximal expected allele frequency for disease-causing variants in SHQ1. c.828_831delTGAT has been observed in multiple compound heterozygous individuals affected with SHQ1-Related Disorders (e.g., Sleiman_2022, Indelicato_2023, Barbera_2023, Gowda_2024). These data indicate that the variant is very likely to be associated with disease. Multiple publications report experimental evidence evaluating an impact on protein function, showing lethality in yeast complemetation assay (Sleiman_2022) and near absent protein product in vitro (Chang_2024). The following publications have been ascertained in the context of this evaluation (PMID: 37475611, 39326821, 38482315, 36416405, 34542157). ClinVar contains an entry for this variant (Variation ID: 1693525). Based on the evidence outlined above, the variant was classified as likely pathogenic.

PreventionGenetics, part of Exact Sciences
Classification: Likely pathogenic for SHQ1-related condition. Last evaluated: 2025-10-06. Review status: criteria provided, single submitter. Criteria: ACMG Guidelines, 2015. Collection method: clinical testing. Allele origin: germline.
Comment: The SHQ1 c.828_831delTGAT variant is predicted to result in a frameshift and premature protein termination (p.Asp277Serfs*27). This variant was reported in the compound heterozygous state in two sibships affected with early-onset dystonia from two unrelated families (Sleiman et al. 2021. PubMed ID: 34542157) and has been reported in combination with another SHQ1 variant in other affected individuals (Indelicato et al. 2023. PubMed ID: 36416405; Revert Barberà et al. 2023. PubMed ID: 37475611; Gowda et al. 2024. PubMed ID: 38482315). This variant was also reported in the heterozygous state in an individual with malignant pleural mesotheliomas (Guo et al. 2020. PubMed ID: 31887429). Functional studies support the deleterious effect of this variant (Sleiman et al. 2022. PubMed ID: 34542157; Chang et al. 2024. PubMed ID: 39326821). This variant is reported in 0.12% of alleles in individuals of European (non-Finnish) descent in gnomAD, has not been documented in the homozygous state, and has conflicting classifications in ClinVar ranging from uncertain to pathogenic (ClinVar ID: 1693525). Although loss of function is currently not a well-documented mechanism of SHQ1-related disease, there is emerging evidence to support loss of function in SHQ1 (Sleiman et al. 2022. PubMed ID: 34542157; Chi et al. 2023. PubMed ID: 36847845). Based on this evidence, this variant is interpreted as likely pathogenic.

3billion
Classification: Pathogenic for Neurodevelopmental disorder with dystonia and seizures. Last evaluated: 2025-05-02. Review status: criteria provided, single submitter. Criteria: ACMG Guidelines, 2015. Collection method: clinical testing. Allele origin: germline. Affected: yes.
Comment: The variant is observed at an extremely low frequency in the gnomAD v4.1.0 dataset (total allele frequency: 0.115%). Predicted Consequence/Location: Frameshift: predicted to result in a loss or disruption of normal protein function through nonsense-mediated decay (NMD) or protein truncation. Multiple pathogenic variants are reported downstream of the variant. The variant has been reported at least twice as pathogenic without evidence for the classification (ClinVar ID: VCV001693525). Therefore, this variant is classified as Pathogenic according to the recommendation of ACMG/AMP guideline.

Baylor Genetics
Classification: Pathogenic for Neurodevelopmental disorder with dystonia and seizures. Last evaluated: 2023-08-28. Review status: criteria provided, single submitter. Criteria: ACMG Guidelines, 2015. Collection method: clinical testing. Allele origin: unknown.

OMIM
Classification: Pathogenic for DYSTONIA 35, CHILDHOOD-ONSET. Last evaluated: 2026-08-21. Review status: no assertion criteria provided. Collection method: literature only. Allele origin: germline. Not counted in ClinVar's aggregate classification.

OMIM
Classification: Pathogenic for NEURODEVELOPMENTAL DISORDER WITH DYSTONIA AND SEIZURES. Last evaluated: 2026-08-21. Review status: no assertion criteria provided. Collection method: literature only. Allele origin: germline. Not counted in ClinVar's aggregate classification.

Literature cited by the submitters: PubMed 34542157 (cited by Women's Health and Genetics/Laboratory Corporation of America, LabCorp and OMIM); PubMed 37475611 (cited by Women's Health and Genetics/Laboratory Corporation of America, LabCorp and OMIM); PubMed 39326821 (cited by Women's Health and Genetics/Laboratory Corporation of America, LabCorp); PubMed 38482315 (cited by Women's Health and Genetics/Laboratory Corporation of America, LabCorp); PubMed 36416405 (cited by Women's Health and Genetics/Laboratory Corporation of America, LabCorp and OMIM).

NM_018130.3(SHQ1):c.828_831del (p.Asp277fs)

Gene: SHQ1 (SHQ1, H/ACA ribonucleoprotein assembly factor; minus strand). Cytogenetic location: 3p13.
Variant type: Microsatellite.
Coding change: c.828_831del on transcript NM_018130.3 (MANE Select); coding-DNA positions 828 to 831, 4 bases deleted (TGAT; older notation c.828_831delTGAT).
Protein change: p.Asp277fs; shifts the reading frame from aspartic acid 277.
Molecular consequence: frameshift variant.
Genome position (GRCh38, 1-based): chr3:72,817,281-72,817,284, ATCA deleted on the plus strand (TGAT on the coding strand, the reverse complement: SHQ1 is on the minus strand); deleting any 4 consecutive bases within chr3:72,817,281-72,817,289 gives the same sequence; the c. name uses the placement nearest the transcript's 3' end. VCF-style (leftmost placement, unchanged base first): chr3-72817280-TATCA-T. GRCh37 (hg19) VCF-style: chr3-72866431-TATCA-T.
Other names: c.828_831delTGAT (NM_018130.3, NM_018130.2); short protein forms D277fs.
Identifiers: ClinVar variation 1693525 (VCV001693525.13), dbSNP rs571329853, ClinGen allele CA2492482.